The following is an entry in ClinVar:

ClinVar aggregate classification (germline): Uncertain significance (1 of 4 stars; one submission).

Submission:

Labcorp Genetics (formerly Invitae), Labcorp
Classification: Uncertain significance. Last evaluated: 2022-05-06. Review status: criteria provided, single submitter. Criteria: Invitae Variant Classification Sherloc (09022015). Collection method: clinical testing. Allele origin: germline.
Comment: In summary, the available evidence is currently insufficient to determine the role of this variant in disease. Therefore, it has been classified as a Variant of Uncertain Significance. Algorithms developed to predict the effect of missense changes on protein structure and function are either unavailable or do not agree on the potential impact of this missense change (SIFT: "Tolerated"; PolyPhen-2: "Probably Damaging"; Align-GVGD: "Class C0"). This variant has not been reported in the literature in individuals affected with LAMC3-related conditions. This variant is not present in population databases (gnomAD no frequency). This sequence change replaces glutamic acid, which is acidic and polar, with aspartic acid, which is acidic and polar, at codon 40 of the LAMC3 protein (p.Glu40Asp).

NM_006059.4(LAMC3):c.120G>C (p.Glu40Asp)

Gene: LAMC3 (laminin subunit gamma 3; plus strand). Cytogenetic location: 9q34.12.
Variant type: single nucleotide variant.
Coding change: c.120G>C on transcript NM_006059.4 (MANE Select); coding-DNA position 120, G replaced by C.
Protein change: p.Glu40Asp; replaces glutamic acid 40 with aspartic acid.
Molecular consequence: missense variant.
Genome position (GRCh38, 1-based): chr9:131,009,334, G>C. VCF-style: chr9-131009334-G-C. GRCh37 (hg19) VCF-style: chr9-133884721-G-C.
Other names: short protein forms E40D.
Identifiers: ClinVar variation 2134796 (VCV002134796.4), dbSNP rs2490641127, ClinGen allele CA375250416.